The following is an entry in ClinVar:

ClinVar aggregate classification (germline): Likely benign (1 of 4 stars; one submission).

gnomAD v4.1: 36 of 1,613,986 alleles (0.0022%); highest among the groups gnomAD compares: Non-Finnish European, 0.0028%; no homozygotes.

Submission:

CeGaT Center for Human Genetics Tuebingen
Classification: Likely benign. Last evaluated: 2024-09-01. Review status: criteria provided, single submitter. Criteria: CeGaT Center For Human Genetics Tuebingen Variant Classification Criteria Version 2. Collection method: clinical testing. Allele origin: germline. Affected: yes. Observed: 1 variant allele.
Comment: GLP1R: BP4, BP7

NM_002062.5(GLP1R):c.774G>A (p.Ser258=)

Gene: GLP1R (glucagon like peptide 1 receptor; plus strand). Cytogenetic location: 6p21.2.
Variant type: single nucleotide variant.
Coding change: c.774G>A on transcript NM_002062.5 (MANE Select); coding-DNA position 774, G replaced by A.
Protein change: p.Ser258=; no amino-acid change (serine 258 retained).
Molecular consequence: synonymous variant. On other transcripts: non-coding transcript variant (2).
Genome position (GRCh38, 1-based): chr6:39,073,720, G>A. VCF-style: chr6-39073720-G-A. GRCh37 (hg19) VCF-style: chr6-39041496-G-A.
Identifiers: ClinVar variation 3388605 (VCV003388605.14).